The following is an entry in ClinVar:

NM_002474.3(MYH11):c.5225A>G (p.Glu1742Gly)

Genes: MYH11 (myosin heavy chain 11; minus strand), NDE1 (nudE neurodevelopment protein 1; plus strand). Cytogenetic location: 16p13.11.
Variant type: single nucleotide variant.
Coding change: c.5225A>G on transcript NM_002474.3 (MANE Select); coding-DNA position 5225, A replaced by G.
Protein change: p.Glu1742Gly; replaces glutamic acid 1742 with glycine.
Molecular consequence: missense variant. On other transcripts: intron variant (2).
Genome position (GRCh38, 1-based): chr16:15,718,385, T>C on the plus strand (A>G on the coding strand, the complement: MYH11 is on the minus strand). VCF-style: chr16-15718385-T-C. GRCh37 (hg19) VCF-style: chr16-15812242-T-C.
Other names: c.5246A>G, p.Glu1749Gly (NM_001040113.2, NM_001040114.2); c.5225A>G, p.Glu1742Gly (NM_022844.3); c.948-5806T>C (NM_001143979.2, NM_017668.3); c.5225A>G (NM_002474.2); short protein forms E1749G, E1742G.
Identifiers: ClinVar variation 534153 (VCV000534153.30), dbSNP rs747864632, ClinGen allele CA7921362.
Genomic context (GRCh38, chr16:15,718,385, plus strand): 5'-GCTTTGCGGACCCGGTCGCTCATGGCCTCCATGTTGCCCTGCTCCTCCTCCAGCTCCTCC[T>C]CCAGCTGGGCGATCCGGGCCTCCAGGCGGCGCTTCTCGTCCTGGAGTGCGTTCCTGGGGG-3'
Protein context (NP_002465.1, residues 1732-1752): RRLEARIAQL[Glu1742Gly]EELEEEQGNM

ClinVar aggregate classification (germline): Uncertain significance. Review status: criteria provided, multiple submitters, no conflicts (2 of 4 stars). 5 submissions from 5 submitters: Uncertain significance (5). Last evaluated 2025-06-23.

Conditions:
Familial thoracic aortic aneurysm and aortic dissection (TAAD). Also called: Thoracic aortic aneurysms and dissections. Identifiers: Orphanet 91387, MedGen C4707243, MONDO:0019625.
Aortic aneurysm, familial thoracic 4 (AAT4). Also called: AORTIC ANEURYSM/AORTIC DISSECTION AND PATENT DUCTUS ARTERIOSUS. Identifiers: MedGen C1851504, MONDO:0007568, OMIM 132900.

Allele frequency attached by ClinVar (database versions not stated): gnomAD exomes below 0.00001; ExAC 0.00001; TOPMed 0.00001.
gnomAD v4.1: 12 of 1,600,506 alleles (0.00075%); highest among the groups gnomAD compares: Admixed American, 0.013%; no homozygotes.

Submissions (5):

Labcorp Genetics (formerly Invitae), Labcorp
Classification: Uncertain significance for Aortic aneurysm, familial thoracic 4. Last evaluated: 2025-06-23. Review status: criteria provided, single submitter. Criteria: Invitae Variant Classification Sherloc (09022015). Collection method: clinical testing. Allele origin: germline.
Comment: This sequence change replaces glutamic acid, which is acidic and polar, with glycine, which is neutral and non-polar, at codon 1749 of the MYH11 protein (p.Glu1749Gly). The frequency data for this variant in the population databases is considered unreliable, as metrics indicate poor data quality at this position in the gnomAD database. This variant has not been reported in the literature in individuals affected with MYH11-related conditions. ClinVar contains an entry for this variant (Variation ID: 534153). Invitae Evidence Modeling of protein sequence and biophysical properties (such as structural, functional, and spatial information, amino acid conservation, physicochemical variation, residue mobility, and thermodynamic stability) indicates that this missense variant is not expected to disrupt MYH11 protein function with a negative predictive value of 95%. In summary, the available evidence is currently insufficient to determine the role of this variant in disease. Therefore, it has been classified as a Variant of Uncertain Significance.

CeGaT Center for Human Genetics Tuebingen
Classification: Uncertain significance. Last evaluated: 2025-01-01. Review status: criteria provided, single submitter. Criteria: CeGaT Center For Human Genetics Tuebingen Variant Classification Criteria Version 2. Collection method: clinical testing. Allele origin: germline. Affected: yes. Observed: 1 variant allele.
Comment: MYH11: PM2

All of Us Research Program, National Institutes of Health
Classification: Uncertain significance for Familial thoracic aortic aneurysm and aortic dissection. Last evaluated: 2024-09-23. Review status: criteria provided, single submitter. Criteria: ACMG Guidelines, 2015. Collection method: clinical testing. Allele origin: germline. Inheritance: Autosomal dominant inheritance. Observed: 4 variant alleles, 4 heterozygotes.
Comment: This missense variant replaces glutamic acid with glycine at codon 1749 of the MYH11 protein. Computational prediction suggests that this variant may have deleterious impact on protein structure and function (internally defined REVEL score threshold >= 0.7, PMID: 27666373). To our knowledge, functional studies have not been reported for this variant. This variant has not been reported in individuals affected with cardiovascular disorders in the literature. This variant has been identified in 1/239316 chromosomes in the general population by the Genome Aggregation Database (gnomAD). The available evidence is insufficient to determine the role of this variant in disease conclusively. Therefore, this variant is classified as a Variant of Uncertain Significance.

This study involves interpretation of variants in research participants for the purpose of population health screening. Participant phenotype was not available at the time of variant classification. Additional details can be found in publication PMID: 35346344, PMCID: PMC8962531

Color Diagnostics, LLC DBA Color Health
Classification: Uncertain significance for Familial thoracic aortic aneurysm and aortic dissection. Last evaluated: 2024-03-07. Review status: criteria provided, single submitter. Criteria: ACMG Guidelines, 2015. Collection method: clinical testing. Allele origin: germline.
Comment: This missense variant replaces glutamic acid with glycine at codon 1749 of the MYH11 protein. Computational prediction suggests that this variant may have deleterious impact on protein structure and function (internally defined REVEL score threshold >= 0.7, PMID: 27666373). To our knowledge, functional studies have not been reported for this variant. This variant has not been reported in individuals affected with cardiovascular disorders in the literature. This variant has been identified in 1/239316 chromosomes in the general population by the Genome Aggregation Database (gnomAD). The available evidence is insufficient to determine the role of this variant in disease conclusively. Therefore, this variant is classified as a Variant of Uncertain Significance.

GeneDx
Classification: Uncertain significance. Last evaluated: 2024-01-18. Review status: criteria provided, single submitter. Criteria: GeneDx Variant Classification Process June 2021. Collection method: clinical testing. Allele origin: germline. Affected: yes.
Comment: Has not been previously published as pathogenic or benign to our knowledge; Not observed at significant frequency in large population cohorts (gnomAD); In silico analysis supports that this missense variant has a deleterious effect on protein structure/function; This variant is associated with the following publications: (PMID: 21529752)